The following is an entry in ClinVar:

ClinVar aggregate classification (germline): Benign/Likely benign. Review status: criteria provided, multiple submitters, no conflicts (2 of 4 stars). 4 submissions from 4 submitters: Benign (1); Likely benign (2). 1 of the submissions does not count toward it. Last evaluated 2024-11-07.

Conditions:
MET-related disorder. Also called: MET-related condition.
Hereditary cancer-predisposing syndrome. Also called: Neoplastic Syndromes, Hereditary; Hereditary neoplastic syndrome; Tumor predisposition; Hereditary Cancer Syndrome. Identifiers: Orphanet 140162, MedGen C0027672, MeSH D009386, MONDO:0015356.
Renal cell carcinoma. Identifiers: Orphanet 217071, MedGen C0007134, MeSH D002292, MONDO:0005086, HP:0005584.
Papillary renal cell carcinoma type 1 (RCCP1). Also called: Renal adenocarcinoma; Renal cell carcinoma 1; Renal cell carcinoma, somatic; RENAL CELL CARCINOMA, PAPILLARY, 1, SOMATIC. Identifiers: Orphanet 47044, MedGen C1336839, OMIM 605074, HP:0011797.

Submissions (4):

Myriad Genetics, Inc.
Classification: Benign for Papillary renal cell carcinoma type 1. Last evaluated: 2024-11-07. Review status: criteria provided, single submitter. Criteria: Myriad Autosomal Dominant, Autosomal Recessive and X-Linked Classification Criteria (2023). Collection method: clinical testing. Allele origin: unknown.
Comment: This variant is considered benign. This variant is a silent/synonymous amino acid change and it is not expected to impact splicing.

Ambry Genetics
Classification: Likely benign for Hereditary cancer-predisposing syndrome. Last evaluated: 2024-07-01. Review status: criteria provided, single submitter. Criteria: Ambry Variant Classification Scheme 2023. Collection method: clinical testing. Allele origin: germline.

Labcorp Genetics (formerly Invitae), Labcorp
Classification: Likely benign for Renal cell carcinoma. Last evaluated: 2024-04-15. Review status: criteria provided, single submitter. Criteria: Invitae Variant Classification Sherloc (09022015). Collection method: clinical testing. Allele origin: germline.

PreventionGenetics, part of Exact Sciences
Classification: Likely benign for MET-related condition. Last evaluated: 2023-06-01. Review status: no assertion criteria provided. Collection method: clinical testing. Allele origin: germline. Not counted in ClinVar's aggregate classification.
Comment: This variant is classified as likely benign based on ACMG/AMP sequence variant interpretation guidelines (Richards et al. 2015 PMID: 25741868, with internal and published modifications).

NM_000245.4(MET):c.1647G>A (p.Glu549=)

Gene: MET (MET proto-oncogene, receptor tyrosine kinase; plus strand). Cytogenetic location: 7q31.2.
Variant type: single nucleotide variant.
Coding change: c.1647G>A on transcript NM_000245.4 (MANE Select); coding-DNA position 1647, G replaced by A.
Protein change: p.Glu549=; no amino-acid change (glutamic acid 549 retained).
Molecular consequence: synonymous variant.
Genome position (GRCh38, 1-based): chr7:116,740,971, G>A. VCF-style: chr7-116740971-G-A. GRCh37 (hg19) VCF-style: chr7-116381025-G-A.
Other names: c.1647G>A, p.Glu549= (NM_001127500.3, NM_001324401.3); c.357G>A, p.Glu119= (NM_001324402.2); c.1647G>A (NM_001127500.2).
Identifiers: ClinVar variation 795831 (VCV000795831.14), dbSNP rs1584923365, ClinGen allele CA457215622.